The following is an entry in ClinVar:

NM_001942.4(DSG1):c.1803A>G (p.Gly601=)

Genes: DSG1-AS1 (DSG1 antisense RNA 1; minus strand), DSG1 (desmoglein 1; plus strand). Cytogenetic location: 18q12.1.
Variant type: single nucleotide variant.
Coding change: c.1803A>G on transcript NM_001942.4 (MANE Select); coding-DNA position 1803, A replaced by G.
Protein change: p.Gly601=; no amino-acid change (glycine 601 retained).
Molecular consequence: synonymous variant. On other transcripts: non-coding transcript variant (2).
Genome position (GRCh38, 1-based): chr18:31,343,565, A>G. VCF-style: chr18-31343565-A-G. GRCh37 (hg19) VCF-style: chr18-28923528-A-G.
Identifiers: ClinVar variation 732023 (VCV000732023.36), dbSNP rs148241984, ClinGen allele CA8926173.

ClinVar aggregate classification (germline): Likely benign. Review status: criteria provided, multiple submitters, no conflicts (2 of 4 stars). 4 submissions from 4 submitters: Likely benign (3). 1 of the submissions does not count toward it. Last evaluated 2026-08-01.

Conditions:
DSG1-related disorder. Also called: DSG1-related condition.

Allele frequency attached by ClinVar (database versions not stated): TOPMed 0.00077; gnomAD exomes 0.00106 and 0.00072; 1000 Genomes Project 0.00040; ESP Exome Variant Server 0.00046; 1000 Genomes Project 30x 0.00047; ExAC 0.00068; gnomAD 0.00075 and 0.00076.
gnomAD v4.1: 1,635 of 1,614,106 alleles (0.1%); highest among the groups gnomAD compares: Non-Finnish European, 0.13%; 2 homozygotes.

Submissions (4):

CeGaT Center for Human Genetics Tuebingen
Classification: Likely benign. Last evaluated: 2026-08-01. Review status: criteria provided, single submitter. Criteria: CeGaT Center For Human Genetics Tuebingen Variant Classification Criteria Version 2. Collection method: clinical testing. Allele origin: germline. Affected: yes. Observed: 3 variant alleles.
Comment: DSG1: BP4, BP7

Labcorp Genetics (formerly Invitae), Labcorp
Classification: Likely benign. Last evaluated: 2026-02-01. Review status: criteria provided, single submitter. Criteria: Invitae Variant Classification Sherloc (09022015). Collection method: clinical testing. Allele origin: germline.

Blueprint Genetics
Classification: Likely benign. Last evaluated: 2024-11-27. Review status: criteria provided, single submitter. Criteria: ACMG Guidelines, 2015. Collection method: clinical testing. Allele origin: germline.

PreventionGenetics, part of Exact Sciences
Classification: Likely benign for DSG1-related condition. Last evaluated: 2023-12-13. Review status: no assertion criteria provided. Collection method: clinical testing. Allele origin: germline. Not counted in ClinVar's aggregate classification.
Comment: This variant is classified as likely benign based on ACMG/AMP sequence variant interpretation guidelines (Richards et al. 2015 PMID: 25741868, with internal and published modifications).